The following is an entry in ClinVar:

NM_001127464.1:c.10393C>A

Gene: ZNF469 (zinc finger protein 469; plus strand).
Variant type: single nucleotide variant.
Identifiers: ClinVar variation 4209183 (VCV004209183.1).

ClinVar aggregate classification (germline): Uncertain significance (1 of 4 stars; one submission).

Conditions:
Cardiovascular phenotype. Identifiers: MedGen CN230736.

Submission:

Ambry Genetics
Classification: Uncertain significance for Cardiovascular phenotype. Last evaluated: 2025-07-28. Review status: criteria provided, single submitter. Criteria: Ambry Variant Classification Scheme 2023. Collection method: clinical testing. Allele origin: germline.
Comment: The p.P3465T variant (also known as c.10393C>A), located in coding exon 2 of the ZNF469 gene, results from a C to A substitution at nucleotide position 10393. The proline at codon 3465 is replaced by threonine, an amino acid with highly similar properties. This amino acid position is conserved. In addition, this alteration is predicted to be tolerated by in silico analysis. Based on the available evidence, the clinical significance of this variant remains unclear.